The following is an entry in ClinVar:

NC_000015.10:g.25175832_25185097del

Genes: SNHG14 (small nucleolar RNA host gene 14; plus strand), SNORD115-4 (small nucleolar RNA, C/D box 115-4; plus strand), SNORD115-5 (small nucleolar RNA, C/D box 115-5; plus strand), SNORD115-6 (small nucleolar RNA, C/D box 115-6; plus strand), SNORD115-7 (small nucleolar RNA, C/D box 115-7; plus strand) and 1 more. Cytogenetic location: 15q11.2.
Variant type: Deletion.
Genome position: GRCh38: chr15:25,175,832-25,185,097. GRCh37 (hg19): chr15:25,420,979-25,430,244.
Identifiers: ClinVar variation 157337 (VCV000157337.2), ClinGen allele CA212399.

ClinVar aggregate classification (germline): not provided (0 of 4 stars; one submission).

Conditions:
Normal pregnancy. Identifiers: MedGen C0232989.

Submission:

Institute of Molecular and Cell Biology, University of Tartu
No classification provided. Condition: Normal pregnancy. Review status: no classification provided. Collection method: case-control. Allele origin: unknown. Affected: yes. Study: Kasak2014.
Comment: The study aimed to determine the contribution of copy number variants in the genetic etiology of normal and complicated pregnancies. The samples represented (i) maternal blood DNA drawn from healthy pregnant women during 1st or 2nd trimester and (ii) maternal and paternal blood DNA drawn at term pregnancy cases representing normal and complicated gestations (severe preeclampsia, PE; gestational diabetes, GD; small-for-gestational age newborn, SGA; large-for-gestational age newborn, LGA). We performed CNV calling based on genome-wide genotyping dataset (Illumina HumanOmniExpress-24-v1 BeadChip) by applying three algorithms, QuantiSNP, GADA (Genome Alteration Detection Algorithm) and CNstream in parallel. The acquired CNV calls were merged with HD-CNV (Hotspot Detector for Copy Number Variants) program and only the CNVs predicted by at least two programs, were considered in subsequent analysis.

Literature cited by the submitters: PubMed 25666259.